The following is an entry in ClinVar:

ClinVar aggregate classification (germline): Pathogenic (1 of 4 stars; one submission).

Conditions:
Dyskeratosis congenita, autosomal dominant 2. Identifiers: MedGen C3151443, MONDO:0013521, OMIM 613989.
Idiopathic Pulmonary Fibrosis. Also called: Idiopathic fibrosing alveolitis, chronic form; idiopathic fibrosing alveolitis. Identifiers: Orphanet 2032, MedGen C1800706, MeSH D054990, MONDO:0800504.

Submission:

Labcorp Genetics (formerly Invitae), Labcorp
Classification: Pathogenic for Dyskeratosis congenita, autosomal dominant 2; Idiopathic Pulmonary Fibrosis. Last evaluated: 2020-07-09. Review status: criteria provided, single submitter. Criteria: Invitae Variant Classification Sherloc (09022015). Collection method: clinical testing. Allele origin: germline.
Comment: This sequence change creates a premature translational stop signal (p.Glu439Argfs*70) in the TERT gene. It is expected to result in an absent or disrupted protein product. The frequency data for this variant in the population databases is considered unreliable, as metrics indicate insufficient coverage at this position in the ExAC database. For these reasons, this variant has been classified as Pathogenic. Loss-of-function variants in TERT are known to be pathogenic (PMID: 16247010, 17460043). This variant has not been reported in the literature in individuals with TERT-related conditions.

Literature cited by the submitters: PubMed 16247010; PubMed 17460043.

NM_198253.3(TERT):c.1314del (p.Glu439fs)

Gene: TERT (telomerase reverse transcriptase; minus strand). Cytogenetic location: 5p15.33.
Variant type: Deletion.
Coding change: c.1314del on transcript NM_198253.3 (MANE Select); coding-DNA position 1314, one base deleted (C; older notation c.1314delC).
Protein change: p.Glu439fs; shifts the reading frame from glutamic acid 439.
Molecular consequence: frameshift variant. On other transcripts: non-coding transcript variant (2).
Genome position (GRCh38, 1-based): chr5:1,293,572, G deleted on the plus strand (C on the coding strand, the reverse complement: TERT is on the minus strand); the first of 5 consecutive G bases (chr5:1,293,572-1,293,576); deleting any one gives the same sequence. VCF-style (leftmost placement, unchanged base first): chr5-1293571-CG-C. GRCh37 (hg19) VCF-style: chr5-1293686-CG-C.
Other names: c.1314del, p.Glu439fs (NM_001193376.3); short protein forms E439fs.
Identifiers: ClinVar variation 1069288 (VCV001069288.7), dbSNP rs2126684848, ClinGen allele CA2499217543.